The following is an entry in ClinVar:

NM_000091.5(COL4A3):c.334_337del (p.Gly112fs)

Genes: COL4A3 (collagen type IV alpha 3 chain; plus strand), MFF-DT (MFF divergent transcript; minus strand). Cytogenetic location: 2q36.3.
Variant type: Deletion.
Coding change: c.334_337del on transcript NM_000091.5 (MANE Select); coding-DNA positions 334 to 337, 4 bases deleted (GGCA; older notation c.334_337delGGCA).
Protein change: p.Gly112fs; shifts the reading frame from glycine 112.
Molecular consequence: frameshift variant.
Genome position (GRCh38, 1-based): chr2:227,245,963-227,245,966, GGCA deleted; deleting any 4 consecutive bases within chr2:227,245,961-227,245,966 gives the same sequence; the c. name uses the placement nearest the transcript's 3' end. VCF-style (leftmost placement, unchanged base first): chr2-227245960-CCAGG-C. GRCh37 (hg19) VCF-style: chr2-228110676-CCAGG-C.
Other names: short protein forms G112fs.
Identifiers: ClinVar variation 2629472 (VCV002629472.4), dbSNP rs777841031, ClinGen allele CA2146056.

ClinVar aggregate classification (germline): Pathogenic/Likely pathogenic. Review status: criteria provided, multiple submitters, no conflicts (2 of 4 stars). 2 submissions from 2 submitters: Pathogenic (1); Likely pathogenic (1). Last evaluated 2023-03-16.

Conditions:
COL4A3-related disorder. Also called: COL4A3-Related Disorders; COL4A3-related condition.

Submissions (2):

Labcorp Genetics (formerly Invitae), Labcorp
Classification: Pathogenic. Last evaluated: 2023-03-16. Review status: criteria provided, single submitter. Criteria: Invitae Variant Classification Sherloc (09022015). Collection method: clinical testing. Allele origin: germline.
Comment: For these reasons, this variant has been classified as Pathogenic. This variant has not been reported in the literature in individuals affected with COL4A3-related conditions. This variant is present in population databases (rs777841031, gnomAD 0.0009%). This sequence change creates a premature translational stop signal (p.Gly112Ilefs*40) in the COL4A3 gene. It is expected to result in an absent or disrupted protein product. Loss-of-function variants in COL4A3 are known to be pathogenic (PMID: 8956999, 24854265, 26809805, 27281700).

PreventionGenetics, part of Exact Sciences
Classification: Likely pathogenic for COL4A3-related condition. Last evaluated: 2023-02-13. Review status: criteria provided, single submitter. Criteria: ACMG Guidelines, 2015. Collection method: clinical testing. Allele origin: germline.
Comment: The COL4A3 c.334_337delGGCA variant is predicted to result in a frameshift and premature protein termination (p.Gly112Ilefs*40). To our knowledge, this variant has not been reported in the literature. This variant is reported in 0.00088% of alleles in individuals of European (Non-Finnish) descent in gnomAD. Frameshift variants in COL4A3 are expected to be pathogenic. This variant is interpreted as likely pathogenic.

Literature cited by the submitters: PubMed 8956999 (cited by Labcorp Genetics (formerly Invitae), Labcorp); PubMed 24854265 (cited by Labcorp Genetics (formerly Invitae), Labcorp); PubMed 26809805 (cited by Labcorp Genetics (formerly Invitae), Labcorp); PubMed 27281700 (cited by Labcorp Genetics (formerly Invitae), Labcorp).